The following is an entry in ClinVar:

NM_006231.4(POLE):c.899del (p.Ile300fs)

Gene: POLE (DNA polymerase epsilon, catalytic subunit; minus strand). Cytogenetic location: 12q24.33.
Variant type: Deletion.
Coding change: c.899del on transcript NM_006231.4 (MANE Select); coding-DNA position 899, one base deleted (T; older notation c.899delT).
Protein change: p.Ile300fs; shifts the reading frame from isoleucine 300.
Molecular consequence: frameshift variant.
Genome position (GRCh38, 1-based): chr12:132,676,556, A deleted on the plus strand (T on the coding strand, the reverse complement: POLE is on the minus strand). VCF-style (leftmost placement, unchanged base first): chr12-132676555-GA-G. GRCh37 (hg19) VCF-style: chr12-133253141-GA-G.
Other names: short protein forms I300fs.
Identifiers: ClinVar variation 949191 (VCV000949191.7), dbSNP rs2043057258, ClinGen allele CA1139662985.
Genomic context (GRCh38, chr12:132,676,555, plus strand): 5'-CAGACAAGGTCCCCATCCCAGGAGCTTACTTCCCAGAAGCCACCTGCTCACCTGGCCATC[GA>G]TCATGTAGGAAATCATCATAATCTGGTCTGTCTCAGCATCAGGAAACTTGAGGGGCAGTT-3'

ClinVar aggregate classification (germline): Pathogenic (1 of 4 stars; one submission).

Submission:

Labcorp Genetics (formerly Invitae), Labcorp
Classification: Pathogenic. Last evaluated: 2022-05-27. Review status: criteria provided, single submitter. Criteria: Invitae Variant Classification Sherloc (09022015). Collection method: clinical testing. Allele origin: germline.
Comment: This variant has not been reported in the literature in individuals affected with POLE-related conditions. ClinVar contains an entry for this variant (Variation ID: 949191). For these reasons, this variant has been classified as Pathogenic. This variant is not present in population databases (gnomAD no frequency). This sequence change creates a premature translational stop signal (p.Ile300Thrfs*44) in the POLE gene. It is expected to result in an absent or disrupted protein product. Loss-of-function variants in POLE are known to be pathogenic (PMID: 23230001, 25948378, 30503519).

Literature cited by the submitters: PubMed 23230001; PubMed 25948378; PubMed 30503519.